The following is an entry in ClinVar:

NM_001291303.3(FAT4):c.12986A>G (p.Asp4329Gly)

Gene: FAT4 (FAT atypical cadherin 4; plus strand). Cytogenetic location: 4q28.1.
Variant type: single nucleotide variant.
Coding change: c.12986A>G on transcript NM_001291303.3 (MANE Select); coding-DNA position 12986, A replaced by G.
Protein change: p.Asp4329Gly; replaces aspartic acid 4329 with glycine.
Molecular consequence: missense variant.
Genome position (GRCh38, 1-based): chr4:125,487,508, A>G. VCF-style: chr4-125487508-A-G. GRCh37 (hg19) VCF-style: chr4-126408663-A-G.
Other names: c.12986A>G, p.Asp4329Gly (NM_001291285.3); c.12980A>G, p.Asp4327Gly (NM_024582.6); short protein forms D4327G, D4329G.
Identifiers: ClinVar variation 388998 (VCV000388998.20), dbSNP rs114234553, ClinGen allele CA3074233.

ClinVar aggregate classification (germline): Benign/Likely benign. Review status: criteria provided, multiple submitters, no conflicts (2 of 4 stars). 5 submissions from 5 submitters: Benign (2); Likely benign (2). 1 of the submissions does not count toward it. Last evaluated 2026-01-24.

Conditions:
FAT4-related disorder. Also called: FAT4-related condition.

Allele frequency attached by ClinVar (database versions not stated): gnomAD exomes 0.00045 and 0.00125; ExAC 0.00147; gnomAD 0.00491 and 0.00519; ESP Exome Variant Server 0.00531; TOPMed 0.00544; 1000 Genomes Project 0.00579; 1000 Genomes Project 30x 0.00609.
gnomAD v4.1: 1,417 of 1,614,044 alleles (0.088%); highest among the groups gnomAD compares: African/African-American, 1.7%; 13 homozygotes.

Submissions (8):

Labcorp Genetics (formerly Invitae), Labcorp
Classification: Benign. Last evaluated: 2026-01-24. Review status: criteria provided, single submitter. Criteria: Invitae Variant Classification Sherloc (09022015). Collection method: clinical testing. Allele origin: germline.

Genetic Services Laboratory, University of Chicago
Classification: Likely benign. Last evaluated: 2018-08-09. Review status: criteria provided, single submitter. Criteria: ACMG Guidelines, 2015. Collection method: clinical testing. Allele origin: germline. Affected: no.

GeneDx
Classification: Benign. Last evaluated: 2018-04-09. Review status: criteria provided, single submitter. Criteria: GeneDx Variant Classification Process June 2021. Collection method: clinical testing. Allele origin: germline. Affected: yes.

Breakthrough Genomics
Classification: Likely benign. Review status: criteria provided, single submitter. Criteria: ACMG Guidelines, 2015. Collection method: not provided. Allele origin: germline. Inheritance: Autosomal recessive inheritance. Affected: yes.

PreventionGenetics, part of Exact Sciences
Classification: Benign for FAT4-related condition. Last evaluated: 2019-09-19. Review status: no assertion criteria provided. Collection method: clinical testing. Allele origin: germline. Not counted in ClinVar's aggregate classification.
Comment: This variant is classified as benign based on ACMG/AMP sequence variant interpretation guidelines (Richards et al. 2015 PMID: 25741868, with internal and published modifications).

Dr. Peter K. Rogan Lab, Western University
No classification provided (evidence only). Condition: Colon adenocarcinoma. Review status: no classification provided. Collection method: in vitro. Allele origin: not applicable. Functional consequence: retained intron. Not counted in ClinVar's aggregate classification.

Dr. Peter K. Rogan Lab, Western University
No classification provided (evidence only). Condition: Uterine corpus endometrial carcinoma. Review status: no classification provided. Collection method: in vitro. Allele origin: not applicable. Functional consequence: retained intron. Not counted in ClinVar's aggregate classification.

Dr. Peter K. Rogan Lab, Western University
No classification provided (evidence only). Condition: Malignant tumor of esophagus. Review status: no classification provided. Collection method: in vitro. Allele origin: not applicable. Functional consequence: retained intron. Not counted in ClinVar's aggregate classification.